The following is an entry in ClinVar:

ClinVar aggregate classification (germline): Uncertain significance (0 of 4 stars; one submission).

Allele frequency attached by ClinVar (database versions not stated): TOPMed 0.00001.

Submission:

Department of Pathology and Laboratory Medicine, Sinai Health System
Classification: Uncertain significance. Review status: no assertion criteria provided. Collection method: clinical testing. Allele origin: unknown. Affected: yes. Study: The Canadian Open Genetics Repository (COGR).
Comment: The TBX22 p.Pro62Arg variant was not identified in the literature nor was it identified in ClinVar or LOVD 3.0. The variant was identified in dbSNP (ID: rs1402938365) but was not identified in the following control databases: the 1000 Genomes Project, the NHLBI GO Exome Sequencing Project, the Exome Aggregation Consortium (August 8th 2016), or the Genome Aggregation Database (Feb 27, 2017). The p.Pro62 residue is not conserved in mammals and four out of five computational analyses (PolyPhen-2, SIFT, AlignGVGD, BLOSUM, MutationTaster) do not suggest a high likelihood of impact to the protein; however, this information is not predictive enough to rule out pathogenicity. The variant occurs outside of the splicing consensus sequence however in silico or computational prediction software programs (SpliceSiteFinder, MaxEntScan, NNSPLICE, GeneSplicer) predict a greater than 10% difference in splicing and the creation of a new 5' splice site. However, this information is not predictive enough to assume pathogenicity. In summary, based on the above information the clinical significance of this variant cannot be determined with certainty at this time. This variant is classified as a variant of uncertain significance.

NM_001109878.2(TBX22):c.185C>G (p.Pro62Arg)

Gene: TBX22 (T-box transcription factor 22). Cytogenetic location: Xq21.1.
Variant type: single nucleotide variant.
Coding change: c.185C>G on transcript NM_001109878.2 (MANE Select); coding-DNA position 185, C replaced by G.
Protein change: p.Pro62Arg; replaces proline 62 with arginine.
Molecular consequence: missense variant. On other transcripts: 5 prime UTR variant (2).
Genome position (GRCh38, 1-based): chrX:80,023,069, C>G. VCF-style: chrX-80023069-C-G. GRCh37 (hg19) VCF-style: chrX-79278568-C-G.
Other names: c.-172C>G (NM_001109879.2); c.-239C>G (NM_001303475.1); c.185C>G, p.Pro62Arg (NM_016954.2); short protein forms P62R.
Identifiers: ClinVar variation 1050546 (VCV001050546.1), dbSNP rs1402938365, ClinGen allele CA413739555.